The following is an entry in ClinVar:

NM_000719.7(CACNA1C):c.5263C>T (p.Pro1755Ser)

Genes: CACNA1C (calcium voltage-gated channel subunit alpha1 C; plus strand), CACNA1C-AS1 (CACNA1C antisense RNA 1; minus strand). Cytogenetic location: 12p13.33.
Variant type: single nucleotide variant.
Coding change: c.5263C>T on transcript NM_000719.7 (MANE Select); coding-DNA position 5263, C replaced by T.
Protein change: p.Pro1755Ser; replaces proline 1755 with serine.
Molecular consequence: missense variant.
Genome position (GRCh38, 1-based): chr12:2,679,615, C>T. VCF-style: chr12-2679615-C-T. GRCh37 (hg19) VCF-style: chr12-2788781-C-T.
Other names: c.5320C>T, p.Pro1774Ser (NM_001129833.2, NM_001129834.2, NM_001129835.2); c.5314C>T, p.Pro1772Ser (NM_001129836.2); c.5287C>T, p.Pro1763Ser (NM_001129837.2, NM_001129838.2); c.5281C>T, p.Pro1761Ser (NM_001129839.2); c.5263C>T, p.Pro1755Ser (NM_001129840.2, NM_001129841.2, NM_001129830.3 and 4 more transcripts); c.5407C>T, p.Pro1803Ser (NM_001129827.2, NM_199460.4); c.5386C>T, p.Pro1796Ser (NM_001129829.2); c.5347C>T, p.Pro1783Ser (NM_001129831.2); and 3 more; short protein forms P1744S, P1752S, P1755S, P1761S, P1763S, P1772S, P1774S, P1775S.
Identifiers: ClinVar variation 3604927 (VCV003604927.2).
Genomic context (GRCh38, chr12:2,679,615, plus strand): 5'-AGCAGCCAGGGCGACACTGAGTCGCCATCCCACGAGAAGCTGGTGGACTCCACCTTCACC[C>T]CGAGCAGCTACTCGTCCACCGGCTCCAACGCCAACATCAACAACGCCAACAACACCGCCC-3'
Protein context (NP_000710.5, residues 1745-1765): HEKLVDSTFT[Pro1755Ser]SSYSSTGSNA

ClinVar aggregate classification (germline): Uncertain significance (1 of 4 stars; one submission).

Conditions:
Long QT syndrome (LQTS). Identifiers: MedGen C0023976, MeSH D008133, MONDO:0002442. Disease mechanism: loss of function. Inheritance: Various modes of inheritance.

Submission:

Labcorp Genetics (formerly Invitae), Labcorp
Classification: Uncertain significance for Long QT syndrome. Last evaluated: 2024-06-15. Review status: criteria provided, single submitter. Criteria: Invitae Variant Classification Sherloc (09022015). Collection method: clinical testing. Allele origin: germline.
Comment: This sequence change replaces proline, which is neutral and non-polar, with serine, which is neutral and polar, at codon 1755 of the CACNA1C protein (p.Pro1755Ser). This variant is not present in population databases (gnomAD no frequency). This variant has not been reported in the literature in individuals affected with CACNA1C-related conditions. Advanced modeling of protein sequence and biophysical properties (such as structural, functional, and spatial information, amino acid conservation, physicochemical variation, residue mobility, and thermodynamic stability) performed at Invitae indicates that this missense variant is not expected to disrupt CACNA1C protein function with a negative predictive value of 95%. In summary, the available evidence is currently insufficient to determine the role of this variant in disease. Therefore, it has been classified as a Variant of Uncertain Significance.